The following is an entry in ClinVar:

ClinVar aggregate classification (germline): Uncertain significance (1 of 4 stars; one submission).

Submission:

Labcorp Genetics (formerly Invitae), Labcorp
Classification: Uncertain significance. Last evaluated: 2023-05-08. Review status: criteria provided, single submitter. Criteria: Invitae Variant Classification Sherloc (09022015). Collection method: clinical testing. Allele origin: germline.
Comment: In summary, the available evidence is currently insufficient to determine the role of this variant in disease. Therefore, it has been classified as a Variant of Uncertain Significance. This sequence change replaces threonine, which is neutral and polar, with isoleucine, which is neutral and non-polar, at codon 178 of the PPP2R1A protein (p.Thr178Ile). This variant is not present in population databases (gnomAD no frequency). This variant has not been reported in the literature in individuals affected with PPP2R1A-related conditions. ClinVar contains an entry for this variant (Variation ID: 1721071). Advanced modeling of protein sequence and biophysical properties (such as structural, functional, and spatial information, amino acid conservation, physicochemical variation, residue mobility, and thermodynamic stability) performed at Invitae indicates that this missense variant is expected to disrupt PPP2R1A protein function.

NM_014225.6(PPP2R1A):c.533C>T (p.Thr178Ile)

Gene: PPP2R1A (protein phosphatase 2 scaffold subunit Aalpha; plus strand). Cytogenetic location: 19q13.41.
Variant type: single nucleotide variant.
Coding change: c.533C>T on transcript NM_014225.6 (MANE Select); coding-DNA position 533, C replaced by T.
Protein change: p.Thr178Ile; replaces threonine 178 with isoleucine.
Molecular consequence: missense variant. On other transcripts: 5 prime UTR variant (1), non-coding transcript variant (1).
Genome position (GRCh38, 1-based): chr19:52,212,715, C>T. VCF-style: chr19-52212715-C-T. GRCh37 (hg19) VCF-style: chr19-52715968-C-T.
Other names: c.-5C>T (NM_001363656.2); short protein forms T178I.
Identifiers: ClinVar variation 1721071 (VCV001721071.5), dbSNP rs2122334581, ClinGen allele CA407183502.